The following is an entry in ClinVar:

ClinVar aggregate classification (germline): Uncertain significance (1 of 4 stars; one submission).

gnomAD v4.1: 3 of 1,549,442 alleles (0.00019%); highest among the groups gnomAD compares: Middle Eastern, 0.05%; no homozygotes.

Submission:

Labcorp Genetics (formerly Invitae), Labcorp
Classification: Uncertain significance. Last evaluated: 2022-05-16. Review status: criteria provided, single submitter. Criteria: Invitae Variant Classification Sherloc (09022015). Collection method: clinical testing. Allele origin: germline.
Comment: This sequence change replaces isoleucine, which is neutral and non-polar, with valine, which is neutral and non-polar, at codon 597 of the EYS protein (p.Ile597Val). This variant is not present in population databases (gnomAD no frequency). This variant has not been reported in the literature in individuals affected with EYS-related conditions. Algorithms developed to predict the effect of missense changes on protein structure and function output the following: SIFT: "Tolerated"; PolyPhen-2: "Benign"; Align-GVGD: "Class C0". The valine amino acid residue is found in multiple mammalian species, which suggests that this missense change does not adversely affect protein function. In summary, the available evidence is currently insufficient to determine the role of this variant in disease. Therefore, it has been classified as a Variant of Uncertain Significance.

NM_001142800.2(EYS):c.1789A>G (p.Ile597Val)

Gene: EYS (eyes shut homolog; minus strand). Cytogenetic location: 6q12.
Variant type: single nucleotide variant.
Coding change: c.1789A>G on transcript NM_001142800.2 (MANE Select); coding-DNA position 1789, A replaced by G.
Protein change: p.Ile597Val; replaces isoleucine 597 with valine.
Molecular consequence: missense variant.
Genome position (GRCh38, 1-based): chr6:65,296,097, T>C on the plus strand (A>G on the coding strand, the complement: EYS is on the minus strand). VCF-style: chr6-65296097-T-C. GRCh37 (hg19) VCF-style: chr6-66005990-T-C.
Other names: c.1789A>G, p.Ile597Val (NM_001292009.2); short protein forms I597V.
Identifiers: ClinVar variation 1921778 (VCV001921778.2), dbSNP rs1768657290, ClinGen allele CA364659819.